The following is an entry in ClinVar:

ClinVar aggregate classification (germline): Likely benign. Review status: criteria provided, multiple submitters, no conflicts (2 of 4 stars). 5 submissions from 5 submitters: Likely benign (4). 1 of the submissions does not count toward it. Last evaluated 2026-05-11.

Conditions:
Adams-Oliver syndrome 5 (AOS5). Identifiers: Orphanet 974, MedGen C4014970, MONDO:0014459, OMIM 616028.
NOTCH1-related disorder. Also called: NOTCH1-related condition; NOTCH1-related disorders.
Familial thoracic aortic aneurysm and aortic dissection (TAAD). Also called: Thoracic aortic aneurysms and dissections. Identifiers: Orphanet 91387, MedGen C4707243, MONDO:0019625.

Allele frequency attached by ClinVar (database versions not stated): gnomAD exomes 0.00005; ExAC 0.00006; TOPMed 0.00007.
gnomAD v4.1: 59 of 1,613,212 alleles (0.0037%); highest among the groups gnomAD compares: Middle Eastern, 0.066%; no homozygotes.

Submissions (5):

Ambry Genetics
Classification: Likely benign for Familial thoracic aortic aneurysm and aortic dissection. Last evaluated: 2026-05-11. Review status: criteria provided, single submitter. Criteria: Ambry Variant Classification Scheme 2023. Collection method: clinical testing. Allele origin: germline.

Labcorp Genetics (formerly Invitae), Labcorp
Classification: Likely benign for Adams-Oliver syndrome 5. Last evaluated: 2026-01-19. Review status: criteria provided, single submitter. Criteria: Invitae Variant Classification Sherloc (09022015). Collection method: clinical testing. Allele origin: germline.

CeGaT Center for Human Genetics Tuebingen
Classification: Likely benign. Last evaluated: 2025-02-01. Review status: criteria provided, single submitter. Criteria: CeGaT Center For Human Genetics Tuebingen Variant Classification Criteria Version 2. Collection method: clinical testing. Allele origin: germline. Affected: yes. Observed: 2 variant alleles.
Comment: NOTCH1: BP4, BP7

Blueprint Genetics
Classification: Likely benign. Last evaluated: 2024-11-25. Review status: criteria provided, single submitter. Criteria: ACMG Guidelines, 2015. Collection method: clinical testing. Allele origin: germline.

PreventionGenetics, part of Exact Sciences
Classification: Likely benign for NOTCH1-related condition. Last evaluated: 2019-05-17. Review status: no assertion criteria provided. Collection method: clinical testing. Allele origin: germline. Not counted in ClinVar's aggregate classification.
Comment: This variant is classified as likely benign based on ACMG/AMP sequence variant interpretation guidelines (Richards et al. 2015 PMID: 25741868, with internal and published modifications).

NM_017617.5(NOTCH1):c.6090C>T (p.Ser2030=)

Genes: NOTCH1 (notch receptor 1; minus strand), LOC126860794 (BRD4-independent group 4 enhancer GRCh37_chr9:139392592-139393791; plus strand). Cytogenetic location: 9q34.3.
Variant type: single nucleotide variant.
Coding change: c.6090C>T on transcript NM_017617.5 (MANE Select); coding-DNA position 6090, C replaced by T.
Protein change: p.Ser2030=; no amino-acid change (serine 2030 retained).
Molecular consequence: synonymous variant.
Genome position (GRCh38, 1-based): chr9:136,498,989, G>A on the plus strand (C>T on the coding strand, the complement: NOTCH1 is on the minus strand). VCF-style: chr9-136498989-G-A. GRCh37 (hg19) VCF-style: chr9-139393441-G-A.
Other names: c.6090C>T (NM_017617.4).
Identifiers: ClinVar variation 695882 (VCV000695882.40), dbSNP rs773621396, ClinGen allele CA5340021.